The following is an entry in ClinVar:

NM_000135.4(FANCA):c.3727A>G (p.Arg1243Gly)

Gene: FANCA (FA complementation group A; minus strand). Cytogenetic location: 16q24.3.
Variant type: single nucleotide variant.
Coding change: c.3727A>G on transcript NM_000135.4 (MANE Select); coding-DNA position 3727, A replaced by G.
Protein change: p.Arg1243Gly; replaces arginine 1243 with glycine.
Molecular consequence: missense variant.
Genome position (GRCh38, 1-based): chr16:89,742,838, T>C on the plus strand (A>G on the coding strand, the complement: FANCA is on the minus strand). VCF-style: chr16-89742838-T-C. GRCh37 (hg19) VCF-style: chr16-89809246-T-C.
Other names: c.3727A>G, p.Arg1243Gly (NM_001286167.3); c.3727A>G (NM_000135.3); short protein forms R1243G.
Identifiers: ClinVar variation 3848197 (VCV003848197.2).

ClinVar aggregate classification (germline): Uncertain significance. Review status: criteria provided, multiple submitters, no conflicts (2 of 4 stars). 2 submissions from 2 submitters: Uncertain significance (2). Last evaluated 2025-04-02.

Conditions:
Inborn genetic diseases. Identifiers: MedGen C0950123, MeSH D030342.

gnomAD v4.1: 5 of 1,614,054 alleles (0.00031%); highest among the groups gnomAD compares: African/African-American, 0.0067%; no homozygotes.

Submissions (2):

Quest Diagnostics Nichols Institute San Juan Capistrano
Classification: Uncertain significance. Last evaluated: 2025-04-02. Review status: criteria provided, single submitter. Criteria: Quest Diagnostics criteria. Collection method: clinical testing. Allele origin: unknown.
Comment: The FANCA c.3727A>G (p.Arg1243Gly) variant has not been reported in individuals with FANCA-related conditions in the published literature. The frequency of this variant in the general population (Genome Aggregation Database) is uninformative in the assessment of its pathogenicity. Analysis of this variant using bioinformatics tools for the prediction of the effect of amino acid changes on protein structure and function yielded predictions that this variant is benign. Based on the available information, we are unable to determine the clinical significance of this variant.

Ambry Genetics
Classification: Uncertain significance for Inborn genetic diseases. Last evaluated: 2025-02-06. Review status: criteria provided, single submitter. Criteria: Ambry Variant Classification Scheme 2023. Collection method: clinical testing. Allele origin: germline.
Comment: The p.R1243G variant (also known as c.3727A>G), located in coding exon 37 of the FANCA gene, results from an A to G substitution at nucleotide position 3727. The arginine at codon 1243 is replaced by glycine, an amino acid with dissimilar properties. This amino acid position is conserved. In addition, this alteration is predicted to be tolerated by in silico analysis. Based on the available evidence, the clinical significance of this variant remains unclear.